The following is an entry in ClinVar:

ClinVar aggregate classification (germline): Pathogenic. Review status: criteria provided, multiple submitters, no conflicts (2 of 4 stars). 23 submissions from 19 submitters: Pathogenic (20). 3 of the submissions do not count toward it. Last evaluated 2026-01-06.

Conditions:
Migraine, familial hemiplegic, 3. Identifiers: Orphanet 569, MedGen C1864987, MONDO:0012320, OMIM 609634.
Severe myoclonic epilepsy in infancy (DRVT). Also called: Dravet syndrome; Epileptic encephalopathy, early infantile, 6 (Dravet syndrome); SEVERE MYOCLONIC EPILEPSY OF INFANCY; DEVELOPMENTAL AND EPILEPTIC ENCEPHALOPATHY 6A; Severe Myoclonic Epilepsy in Infancy (SMEI). Identifiers: Orphanet 33069, MedGen C0751122, MONDO:0100135, OMIM 607208.
Generalized epilepsy with febrile seizures plus, type 2 (GEFSP2). Also called: GEFS+, TYPE 2. Identifiers: Orphanet 36387, MedGen C1858673, MONDO:0011461, OMIM 604403.
Developmental and epileptic encephalopathy 6B. Also called: Developmental and epileptic encephalopathy 6B, non-Dravet. Identifiers: MedGen C5543353, MONDO:0030268, OMIM 619317.
Early-infantile DEE. Also called: Early infantile epileptic encephalopathy; Early infantile epileptic encephalopathy with suppression bursts; Ohtahara syndrome. Identifiers: Orphanet 1934, MedGen C0393706, MONDO:0800491.
Developmental and epileptic encephalopathy, 76. Also called: EPILEPTIC ENCEPHALOPATHY, EARLY INFANTILE, 76; DEVELOPMENTAL DELAY, EPILEPTIC ENCEPHALOPATHY, CEREBRAL ATROPHY, AND ABNORMAL MYELINATION. Identifiers: MedGen C5193113, MONDO:0032768, OMIM 618468.
Seizure. Also called: Seizures. Identifiers: MedGen C0036572, HP:0001250.
Focal impaired awareness seizure. Also called: Focal seizures with impairment of consciousness or awareness. Identifiers: MedGen C0270834, HP:0002384.
Autism (AUTS). Also called: Autistic disorder; Autistic disorder of childhood onset. Identifiers: MedGen C0004352, MeSH D001321, MONDO:0005260, OMIM 209850, HP:0000717.
Global developmental delay (DD). Also called: Cognitive delay. Identifiers: MedGen C0557874, HP:0001263. Disease mechanism: loss of function.

Submissions 1 to 11 of 23:

Women's Health and Genetics/Laboratory Corporation of America, LabCorp
Classification: Pathogenic for Generalized epilepsy with febrile seizures plus, type 2. Last evaluated: 2026-01-06. Review status: criteria provided, single submitter. Criteria: LabCorp Variant Classification Summary - May 2015. Collection method: clinical testing. Allele origin: germline.
Comment: Variant summary: SCN1A c.602+1G>A is located in a canonical splice-site and is predicted to affect mRNA splicing resulting in a significantly altered protein due to either exon skipping, shortening, or inclusion of intronic material. Variants that disrupt the consensus splice site are a relatively common cause of aberrant splicing and loss of SCN1A function. Several computational tools predict a significant impact on normal splicing: Four predict the variant abolishes a 5' splicing donor site. However, these predictions have yet to be confirmed by functional studies. The variant was absent in 250662 control chromosomes. c.602+1G>A has been observed in individual(s) affected with SCN1A-Related Seizure Disorder. The following publication have been ascertained in the context of this evaluation (PMID: 37541188). ClinVar contains an entry for this variant (Variation ID: 197187). Based on the evidence outlined above, the variant was classified as pathogenic.

Labcorp Genetics (formerly Invitae), Labcorp
Classification: Pathogenic for Early-infantile DEE. Last evaluated: 2025-10-07. Review status: criteria provided, single submitter. Criteria: Invitae Variant Classification Sherloc (09022015). Collection method: clinical testing. Allele origin: germline.
Comment: This sequence change affects a donor splice site in intron 4 of the SCN1A gene. It is expected to disrupt RNA splicing. Variants that disrupt the donor or acceptor splice site typically lead to a loss of protein function (PMID: 16199547), and loss-of-function variants in SCN1A are known to be pathogenic (PMID: 17347258, 18930999). This variant is not present in population databases (gnomAD no frequency). Disruption of this splice site has been observed in individual(s) with autosomal dominant Dravet syndrome or Lennox-Gastout syndrome (PMID: 12566275, 20522430, 23934111, 28148630). In at least one individual the variant was observed to be de novo. This variant is also known as exon 4 splice site GT>AT, and 2:166911147 C/T. ClinVar contains an entry for this variant (Variation ID: 197187). Algorithms developed to predict the effect of sequence changes on RNA splicing suggest that this variant may disrupt the consensus splice site. For these reasons, this variant has been classified as Pathogenic.

Cytogénomique, Hospices Civils de Lyon
Classification: Pathogenic for Seizure. Last evaluated: 2025-04-25. Review status: criteria provided, single submitter. Criteria: ACMG Guidelines, 2015. Collection method: clinical testing. Allele origin: unknown. Affected: yes.

Variantyx, Inc.
Classification: Pathogenic for Severe myoclonic epilepsy in infancy. Last evaluated: 2025-04-21. Review status: criteria provided, single submitter. Criteria: Variantyx Assertion Criteria 2022. Collection method: clinical testing. Allele origin: de novo. Inheritance: Autosomal dominant inheritance. Affected: yes.
Comment: This is a canonical splicing variant in the SCN1A gene (OMIM: 182389). Pathogenic variants in this gene have been associated with autosomal dominant Dravet syndrome. This splicing variant has been shown to result in an in-frame event (PMID: 17347258, 18930999, 34293681, 35359575); however, complete loss of function cannot be predicted with confidence. Loss of function is a known mechanism of disease for SCN1A in this disorder (PMID: 17347258, 18930999, 34293681, 35359575) (PVS1_Strong). This variant has been reported in many unrelated affected individuals (PMID: 30868114, 34293681, 20522430, 22409937) (PS4_Very_Strong), and it likely occurred de novo in the current proband and in individuals reported in the published literature; however, the possibility of parental germline mosaicism cannot be excluded (PMID: 28148630) (PS2). This variant is absent from control populations (PM2). Based on the current evidence, this variant is classified as pathogenic for autosomal dominant Dravet syndrome.

Centre of Medical Genetics, University Hospital Muenster
Classification: Pathogenic. Last evaluated: 2024-08-16. Review status: criteria provided, single submitter. Criteria: ACMG Guidelines, 2015. Collection method: clinical testing. Allele origin: unknown. Affected: yes. Observed: 1 variant allele, 1 heterozygote.
Comment: ACMG categories: PVS1,PS4,PM2

Institute of Human Genetics Munich, TUM University Hospital
Classification: Pathogenic for Generalized epilepsy with febrile seizures plus, type 2. Last evaluated: 2023-09-18. Review status: criteria provided, single submitter. Criteria: Classification criteria August 2017. Collection method: clinical testing. Allele origin: de novo. Inheritance: Autosomal dominant inheritance. Affected: yes. Observed: 1 variant allele.

3billion
Classification: Pathogenic for Severe myoclonic epilepsy in infancy. Last evaluated: 2022-09-01. Review status: criteria provided, single submitter. Criteria: ACMG Guidelines, 2015. Collection method: clinical testing. Allele origin: germline. Affected: yes. Observed: 1 heterozygote.
Comment: The variant is not observed in the gnomAD v2.1.1 dataset. The variant on the canonical splice site is predicted to alter splicing and result in a loss or disruption of normal protein function. Multiple pathogenic loss-of-function variants are reported downstream of the variant. The variant has been reported at least twice as pathogenic with clinical assertions and evidence for the classification (ClinVar ID: VCV000197187/ 3billion dataset). Therefore, this variant is classified as Pathogenic according to the recommendation of ACMG/AMP guideline.

CeGaT Center for Human Genetics Tuebingen
Classification: Pathogenic. Last evaluated: 2022-09-01. Review status: criteria provided, single submitter. Criteria: CeGaT Center For Human Genetics Tuebingen Variant Classification Criteria Version 2. Collection method: clinical testing. Allele origin: germline. Affected: yes. Observed: 3 variant alleles.
Comment: SCN1A: PVS1, PM2

Center for Genomics, Ann and Robert H. Lurie Children's Hospital of Chicago
Classification: Pathogenic for Developmental and epileptic encephalopathy 6B; Migraine, familial hemiplegic, 3; Severe myoclonic epilepsy in infancy; Generalized epilepsy with febrile seizures plus, type 2. Last evaluated: 2021-12-08. Review status: criteria provided, single submitter. Criteria: ACMG Guidelines, 2015. Collection method: clinical testing. Allele origin: germline.
Comment: SCN1A NM_001165963.1 exon 4 c.602+1G>A: This variant has been reported in the literature in at least 8 individuals with Dravet syndrome/epileptic encephalopathy, segregating with disease in at least 2 affected family members and reported as de novo in at least 4 individuals (Marini 2006 PMID:17054697, Depienne 2010 PMID:20522430, Rodda 2012 PMID:22409937, Allen 2013 PMID:23934111, Ortega-Moreno 2017 PMID:29190809, Turner 2017 PMID:28148630). This variant is not present in large control databases. This variant is present in ClinVar (Variation ID:197187). Evolutionary conservation and computational predictive tools for this variant are limited or unavailable. Of note, this variant alters the consensus splice sequence (+/- 1,2) which is predicted to result in an absent or abnormal protein. Loss of function has been reported as a disease mechanism for this gene and disease (Depienne 2009 PMID:18930999). In summary, this variant is classified as pathogenic.

Centre for Inherited Metabolic Diseases, Karolinska University Hospital
Classification: Pathogenic for Severe myoclonic epilepsy in infancy. Last evaluated: 2021-04-25. Review status: criteria provided, single submitter. Criteria: ACMG Guidelines, 2015. Collection method: clinical testing. Allele origin: de novo. Inheritance: Autosomal dominant inheritance. Affected: yes. Observed: 1 heterozygote.

Revvity Omics, Revvity
Classification: Pathogenic. Last evaluated: 2021-03-15. Review status: criteria provided, single submitter. Criteria: ACMG Guidelines, 2015. Collection method: clinical testing. Allele origin: germline.

NM_001165963.4(SCN1A):c.602+1G>A

Gene: SCN1A (sodium voltage-gated channel alpha subunit 1; minus strand). Cytogenetic location: 2q24.3.
Variant type: single nucleotide variant.
Coding change: c.602+1G>A on transcript NM_001165963.4 (MANE Select); the canonical splice donor site of the intron after coding-DNA position 602, G replaced by A.
Molecular consequence: splice donor variant.
Genome position (GRCh38, 1-based): chr2:166,054,637, C>T on the plus strand (G>A on the coding strand, the complement: SCN1A is on the minus strand). VCF-style: chr2-166054637-C-T. GRCh37 (hg19) VCF-style: chr2-166911147-C-T.
Other names: c.602+1G>A (NM_001353949.2, NM_001353958.2, NM_001353950.2 and 10 more transcripts); c.-1824+1G>A (NM_001353961.2).
Identifiers: ClinVar variation 197187 (VCV000197187.74), dbSNP rs794726827, ClinGen allele CA302978.